The following is an entry in ClinVar:

NM_024312.5(GNPTAB):c.295C>T (p.Gln99Ter)

Gene: GNPTAB (N-acetylglucosamine-1-phosphate transferase subunits alpha and beta; minus strand). Cytogenetic location: 12q23.2.
Variant type: single nucleotide variant.
Coding change: c.295C>T on transcript NM_024312.5 (MANE Select); coding-DNA position 295, C replaced by T.
Protein change: p.Gln99Ter; replaces glutamine 99 with a stop codon.
Molecular consequence: nonsense.
Genome position (GRCh38, 1-based): chr12:101,789,966, G>A on the plus strand (C>T on the coding strand, the complement: GNPTAB is on the minus strand). VCF-style: chr12-101789966-G-A. GRCh37 (hg19) VCF-style: chr12-102183744-G-A.
Other names: short protein forms Q99*.
Identifiers: ClinVar variation 984350 (VCV000984350.4), dbSNP rs1868886361, ClinGen allele CA386305394.

ClinVar aggregate classification (germline): Likely pathogenic (1 of 4 stars; one submission).

Conditions:
GNPTAB-mucolipidosis. Also called: UDP-N-acetylglucosamine-1-phosphotransferase subunit alpha/beta deficiency. Identifiers: MedGen CN322573, MONDO:0100122.

Submission:

Myriad Genetics, Inc.
Classification: Likely pathogenic for GNPTAB-mucolipidosis. Last evaluated: 2019-11-04. Review status: criteria provided, single submitter. Criteria: Myriad Autosomal Dominant, Autosomal Recessive and X-Linked Classification Criteria (2023). Collection method: clinical testing. Allele origin: unknown.
Comment: NM_024312.4(GNPTAB):c.295C>T(Q99*) is expected to be pathogenic in the context of GNPTAB-related disorders. This variant is predicted to lead to an abnormal or absent protein product due to the creation of a premature termination codon in GNPTAB, a gene where loss-of-function variants are known to be pathogenic. Please note: this variant was assessed in the context of healthy population screening.